The following is an entry in ClinVar:

ClinVar aggregate classification (germline): Benign. Review status: criteria provided, multiple submitters, no conflicts (2 of 4 stars). 7 submissions from 7 submitters: Benign (5). 2 of the submissions do not count toward it. Last evaluated 2026-02-04.

Allele frequency attached by ClinVar (database versions not stated): 1000 Genomes Project 0.96446; gnomAD 0.94158 and 0.94190; TOPMed 0.94076; gnomAD exomes 0.94091; ESP Exome Variant Server 0.93584; 1000 Genomes Project 30x 0.96377; ExAC 0.94001.
gnomAD v4.1: 1,397,882 of 1,505,062 alleles (93%); highest among the groups gnomAD compares: East Asian, 100%; 649,613 homozygotes.

Submissions (7):

Labcorp Genetics (formerly Invitae), Labcorp
Classification: Benign. Last evaluated: 2026-02-04. Review status: criteria provided, single submitter. Criteria: Invitae Variant Classification Sherloc (09022015). Collection method: clinical testing. Allele origin: germline.

Mayo Clinic Laboratories, Mayo Clinic
Classification: Benign. Last evaluated: 2020-07-01. Review status: criteria provided, single submitter. Criteria: ACMG Guidelines, 2015. Collection method: clinical testing. Allele origin: germline. Observed: 159 variant alleles.

GeneDx
Classification: Benign. Last evaluated: 2017-05-09. Review status: criteria provided, single submitter. Criteria: GeneDx Variant Classification (06012015). Collection method: clinical testing. Allele origin: germline. Affected: yes.
Comment: This variant is considered likely benign or benign based on one or more of the following criteria: it is a conservative change, it occurs at a poorly conserved position in the protein, it is predicted to be benign by multiple in silico algorithms, and/or has population frequency not consistent with disease.

Laboratory for Molecular Medicine, Mass General Brigham Personalized Medicine
Classification: Benign. Last evaluated: 2015-11-11. Review status: criteria provided, single submitter. Criteria: LMM Criteria. Collection method: clinical testing. Allele origin: germline. Observed: 1,018 variant alleles.
Comment: Ile2074Val in exon 51 of OTOGL: This variant is not expected to have clinical si gnificance because it has been identified in 7.6% (641/8456) of European America n chromosomes from a broad population by the NHLBI Exome Sequencing Project (dbSNP rs2034528).

Breakthrough Genomics
Classification: Benign. Review status: criteria provided, single submitter. Criteria: ACMG Guidelines, 2015. Collection method: not provided. Allele origin: germline. Inheritance: Autosomal recessive inheritance. Affected: yes.

Diagnostic Laboratory, Department of Genetics, University Medical Center Groningen
Classification: Benign. Review status: no assertion criteria provided. Collection method: clinical testing. Allele origin: germline. Affected: yes. Study: VKGL Data-share Consensus. Not counted in ClinVar's aggregate classification.

Joint Genome Diagnostic Labs from Nijmegen and Maastricht, Radboudumc and MUMC+
Classification: Benign. Review status: no assertion criteria provided. Collection method: clinical testing. Allele origin: germline. Affected: yes. Study: VKGL Data-share Consensus. Not counted in ClinVar's aggregate classification.

NM_001378609.3(OTOGL):c.6247A>G (p.Ile2083Val)

Gene: OTOGL (otogelin like; plus strand). Cytogenetic location: 12q21.31.
Variant type: single nucleotide variant.
Coding change: c.6247A>G on transcript NM_001378609.3 (MANE Select); coding-DNA position 6247, A replaced by G.
Protein change: p.Ile2083Val; replaces isoleucine 2083 with valine.
Molecular consequence: missense variant.
Genome position (GRCh38, 1-based): chr12:80,358,880, A>G. VCF-style: chr12-80358880-A-G. GRCh37 (hg19) VCF-style: chr12-80752660-A-G.
Other names: c.6112A>G, p.Ile2038Val (NM_001368062.3); c.6247A>G, p.Ile2083Val (NM_001378610.3, NM_173591.7); short protein forms I2074V, I2038V, I2083V.
Identifiers: ClinVar variation 226966 (VCV000226966.20), dbSNP rs2034528, ClinGen allele CA6701955.